The following is an entry in ClinVar:

ClinVar aggregate classification (germline): Pathogenic (1 of 4 stars; one submission).

Conditions:
Syndromic multisystem autoimmune disease due to ITCH deficiency. Also called: AUTOIMMUNE DISEASE, MULTISYSTEM, WITH FACIAL DYSMORPHISM. Identifiers: Orphanet 228426, MedGen C3150649, MONDO:0013245, OMIM 613385.

Submission:

Labcorp Genetics (formerly Invitae), Labcorp
Classification: Pathogenic for Syndromic multisystem autoimmune disease due to ITCH deficiency. Last evaluated: 2025-05-04. Review status: criteria provided, single submitter. Criteria: Invitae Variant Classification Sherloc (09022015). Collection method: clinical testing. Allele origin: germline.
Comment: This sequence change creates a premature translational stop signal (p.Leu434Metfs*11) in the ITCH gene. It is expected to result in an absent or disrupted protein product. Loss-of-function variants in ITCH are known to be pathogenic (PMID: 20170897). This variant is not present in population databases (gnomAD no frequency). This variant has not been reported in the literature in individuals affected with ITCH-related conditions. For these reasons, this variant has been classified as Pathogenic.

Literature cited by the submitters: PubMed 20170897.

NM_031483.7(ITCH):c.1300_1303del (p.Leu434fs)

Gene: ITCH (itchy E3 ubiquitin protein ligase; plus strand). Cytogenetic location: 20q11.22.
Variant type: Deletion.
Coding change: c.1300_1303del on transcript NM_031483.7 (MANE Select); coding-DNA positions 1300 to 1303, 4 bases deleted (TTAA; older notation c.1300_1303delTTAA).
Protein change: p.Leu434fs; shifts the reading frame from leucine 434.
Molecular consequence: frameshift variant.
Genome position (GRCh38, 1-based): chr20:34,462,097-34,462,100, TTAA deleted; deleting any 4 consecutive bases within chr20:34,462,095-34,462,100 gives the same sequence; the c. name uses the placement nearest the transcript's 3' end. VCF-style (leftmost placement, unchanged base first): chr20-34462094-CAATT-C. GRCh37 (hg19) VCF-style: chr20-33049899-CAATT-C.
Other names: c.1423_1426del, p.Leu475fs (NM_001257137.3, NM_001324197.2); c.970_973del, p.Leu324fs (NM_001257138.3); c.1300_1303del, p.Leu434fs (NM_001324198.2); short protein forms L475fs, L324fs, L434fs.
Identifiers: ClinVar variation 4718472 (VCV004718472.1).
Genomic context (GRCh38, chr20:34,462,094, plus strand): 5'-ACTTGGCAAACAAGCAACTCTTTAATATTTTTGTTTATGTTTTTTCCTGTGTTTCGTAGT[CAATT>C]AAATGAAAAGCCCTTACCTGAAGGTTGGGAAATGAGATTCACAGTGGATGGAATTCCATA-3'